The following is an entry in ClinVar:

ClinVar aggregate classification (germline): Uncertain significance. Review status: criteria provided, multiple submitters, no conflicts (2 of 4 stars). 3 submissions from 3 submitters: Uncertain significance (3). Last evaluated 2025-05-28.

Conditions:
Inborn genetic diseases. Identifiers: MedGen C0950123, MeSH D030342.

Allele frequency attached by ClinVar (database versions not stated): gnomAD 0.00002 and 0.00003; gnomAD exomes 0.00002 and 0.00004; ExAC 0.00003; TOPMed 0.00003.
gnomAD v4.1: 38 of 1,614,108 alleles (0.0024%); highest among the groups gnomAD compares: East Asian, 0.0045%; no homozygotes.

Submissions (3):

Ambry Genetics
Classification: Uncertain significance for Inborn genetic diseases. Last evaluated: 2025-05-28. Review status: criteria provided, single submitter. Criteria: Ambry Variant Classification Scheme 2023. Collection method: clinical testing. Allele origin: germline.

Blueprint Genetics
Classification: Uncertain significance. Last evaluated: 2023-09-18. Review status: criteria provided, single submitter. Criteria: ACMG Guidelines, 2015. Collection method: clinical testing. Allele origin: germline.

Labcorp Genetics (formerly Invitae), Labcorp
Classification: Uncertain significance. Last evaluated: 2022-07-21. Review status: criteria provided, single submitter. Criteria: Invitae Variant Classification Sherloc (09022015). Collection method: clinical testing. Allele origin: germline.
Comment: In summary, the available evidence is currently insufficient to determine the role of this variant in disease. Therefore, it has been classified as a Variant of Uncertain Significance. Algorithms developed to predict the effect of missense changes on protein structure and function output the following: SIFT: "Deleterious"; PolyPhen-2: "Benign"; Align-GVGD: "Class C0". The cysteine amino acid residue is found in multiple mammalian species, which suggests that this missense change does not adversely affect protein function. ClinVar contains an entry for this variant (Variation ID: 1060712). This variant has not been reported in the literature in individuals affected with CNNM4-related conditions. This variant is present in population databases (rs761490730, gnomAD 0.005%). This sequence change replaces arginine, which is basic and polar, with cysteine, which is neutral and slightly polar, at codon 762 of the CNNM4 protein (p.Arg762Cys).

NM_020184.4(CNNM4):c.2284C>T (p.Arg762Cys)

Gene: CNNM4 (cyclin and CBS domain divalent metal cation transport mediator 4; plus strand). Cytogenetic location: 2q11.2.
Variant type: single nucleotide variant.
Coding change: c.2284C>T on transcript NM_020184.4 (MANE Select); coding-DNA position 2284, C replaced by T.
Protein change: p.Arg762Cys; replaces arginine 762 with cysteine.
Molecular consequence: missense variant.
Genome position (GRCh38, 1-based): chr2:96,809,473, C>T. VCF-style: chr2-96809473-C-T. GRCh37 (hg19) VCF-style: chr2-97475210-C-T.
Other names: c.2284C>T (NM_020184.3); short protein forms R762C.
Identifiers: ClinVar variation 1060712 (VCV001060712.10), dbSNP rs761490730, ClinGen allele CA1783634.
Genomic context (GRCh38, chr2:96,809,473, plus strand): 5'-AACTTGGCCGAGAAGTCTGAGCTGCCTGTGGTGGACGAGACCACAACTCTTCTCAACGAG[C>T]GTAACTCCTTGCTGCACAAAGCCTCCCACGAGAATGCCATCTGACAGGAGGGCCCGGGGC-3'
Protein context (NP_064569.3, residues 752-772): VDETTTLLNE[Arg762Cys]NSLLHKASHE